The following is an entry in ClinVar:

ClinVar aggregate classification (germline): Uncertain significance (1 of 4 stars; one submission).

Conditions:
POMC-related disorder. Also called: POMC-related disorders; POMC-related condition.

gnomAD v4.1: 3 of 1,611,850 alleles (0.00019%); highest among the groups gnomAD compares: Non-Finnish European, 0.00025%; no homozygotes.

Submission:

PreventionGenetics, part of Exact Sciences
Classification: Uncertain significance for POMC-related condition. Last evaluated: 2026-04-20. Review status: criteria provided, single submitter. Criteria: ACMG Guidelines, 2015. Collection method: clinical testing. Allele origin: germline.
Comment: The POMC c.629T>C variant is predicted to result in the amino acid substitution p.Leu210Pro. This variant was observed in a cohort of individuals with obesity, and in vitro functional studies showed function similar to wild-type levels (Supplemental Data Set, Shah et al. 2023. PubMed ID: 36864747). This variant has not been reported in a large population database, indicating this variant is rare. At this time, the clinical significance of this variant is uncertain due to the absence of conclusive functional and genetic evidence.

NM_000939.4(POMC):c.629T>C (p.Leu210Pro)

Gene: POMC (proopiomelanocortin; minus strand). Cytogenetic location: 2p23.3.
Variant type: single nucleotide variant.
Coding change: c.629T>C on transcript NM_000939.4 (MANE Select); coding-DNA position 629, T replaced by C.
Protein change: p.Leu210Pro; replaces leucine 210 with proline.
Molecular consequence: missense variant.
Genome position (GRCh38, 1-based): chr2:25,161,256, A>G on the plus strand (T>C on the coding strand, the complement: POMC is on the minus strand). VCF-style: chr2-25161256-A-G. GRCh37 (hg19) VCF-style: chr2-25384125-A-G.
Other names: c.629T>C, p.Leu210Pro (NM_001035256.3, NM_001319204.2, NM_001319205.2); short protein forms L210P.
Identifiers: ClinVar variation 3350054 (VCV003350054.2).